The following is an entry in ClinVar:

NM_014946.4(SPAST):c.1550T>C (p.Leu517Ser)

Gene: SPAST (spastin; plus strand). Cytogenetic location: 2p22.3.
Variant type: single nucleotide variant.
Coding change: c.1550T>C on transcript NM_014946.4 (MANE Select); coding-DNA position 1550, T replaced by C.
Protein change: p.Leu517Ser; replaces leucine 517 with serine.
Molecular consequence: missense variant.
Genome position (GRCh38, 1-based): chr2:32,143,349, T>C. VCF-style: chr2-32143349-T-C. GRCh37 (hg19) VCF-style: chr2-32368418-T-C.
Other names: c.1547T>C, p.Leu516Ser (NM_001363823.2); c.1451T>C, p.Leu484Ser (NM_001363875.2); c.1454T>C, p.Leu485Ser (NM_001377959.1, NM_199436.2); short protein forms L484S, L485S, L516S, L517S.
Identifiers: ClinVar variation 988971 (VCV000988971.4), dbSNP rs2148759388, ClinGen allele CA346503641.
Genomic context (GRCh38, chr2:32,143,349, plus strand): 5'-ATTAATTCTGAAATTAGACTGAATGATCATTTTTTAATATTTTTCAGACAAGACTACTTT[T>C]GCTTAAAAATCTGTTATGTAAACAAGGAAGTCCATTGACCCAAAAAGAACTAGCACAACT-3'
Protein context (NP_055761.2, residues 507-527): SLPNEETRLL[Leu517Ser]LKNLLCKQGS

ClinVar aggregate classification (germline): Conflicting classifications of pathogenicity. Review status: criteria provided, conflicting classifications (1 of 4 stars). 2 submissions from 2 submitters: Pathogenic (1); Uncertain significance (1). Last evaluated 2024-07-31.

Conditions:
Hereditary spastic paraplegia 4. Also called: Spastic paraplegia 4, autosomal dominant; Spastic Paraplegia 4; Familial spastic paraplegia autosomal dominant 2. Identifiers: Orphanet 100985, MedGen C1866855, MONDO:0008438, OMIM 182601.

Submissions (2):

Labcorp Genetics (formerly Invitae), Labcorp
Classification: Uncertain significance for Hereditary spastic paraplegia 4. Last evaluated: 2024-07-31. Review status: criteria provided, single submitter. Criteria: Invitae Variant Classification Sherloc (09022015). Collection method: clinical testing. Allele origin: germline.
Comment: This sequence change replaces leucine, which is neutral and non-polar, with serine, which is neutral and polar, at codon 517 of the SPAST protein (p.Leu517Ser). This variant is not present in population databases (gnomAD no frequency). This missense change has been observed in individuals with clinical features of hereditary spastic paraplegia (PMID: 34983064; Invitae). ClinVar contains an entry for this variant (Variation ID: 988971). Advanced modeling of protein sequence and biophysical properties (such as structural, functional, and spatial information, amino acid conservation, physicochemical variation, residue mobility, and thermodynamic stability) performed at Invitae indicates that this missense variant is expected to disrupt SPAST protein function with a positive predictive value of 80%. This variant disrupts the p.Leu517 amino acid residue in SPAST. Other variant(s) that disrupt this residue have been observed in individuals with SPAST-related conditions (PMID: 27077743; Invitae), which suggests that this may be a clinically significant amino acid residue. In summary, the available evidence is currently insufficient to determine the role of this variant in disease. Therefore, it has been classified as a Variant of Uncertain Significance.

Paris Brain Institute, Inserm - ICM
Classification: Pathogenic for Hereditary spastic paraplegia 4. Review status: criteria provided, single submitter. Criteria: ACMG Guidelines, 2015. Collection method: clinical testing. Allele origin: unknown. Affected: yes. Observed: 1 variant allele.

Literature cited by the submitters: PubMed 34983064 (cited by Labcorp Genetics (formerly Invitae), Labcorp); PubMed 27077743 (cited by Labcorp Genetics (formerly Invitae), Labcorp).